The following is an entry in ClinVar:

NM_001330311.2(DVL1):c.838A>G (p.Ile280Val)

Gene: DVL1 (dishevelled segment polarity protein 1; minus strand). Cytogenetic location: 1p36.33.
Variant type: single nucleotide variant.
Coding change: c.838A>G on transcript NM_001330311.2 (MANE Select); coding-DNA position 838, A replaced by G.
Protein change: p.Ile280Val; replaces isoleucine 280 with valine.
Molecular consequence: missense variant.
Genome position (GRCh38, 1-based): chr1:1,340,109, T>C on the plus strand (A>G on the coding strand, the complement: DVL1 is on the minus strand). VCF-style: chr1-1340109-T-C. GRCh37 (hg19) VCF-style: chr1-1275489-T-C.
Other names: c.838A>G, p.Ile280Val (NM_004421.3); short protein forms I280V.
Identifiers: ClinVar variation 4886613 (VCV004886613.2).

ClinVar aggregate classification (germline): Uncertain significance (1 of 4 stars; one submission).

Submission:

Dasa
Classification: Uncertain significance. Last evaluated: 2026-01-02. Review status: criteria provided, single submitter. Criteria: DASA Assertion Criteria. Collection method: clinical testing. Allele origin: germline.
Comment: NM_001330311.2(DVL1):c.838A>G (p.Ile280Val) is a missense variant that results in the substitution of isoleucine with valine. This variant is rare in population databases. The currently available literature and clinical evidence are not sufficient to establish a definitive association between this variant and the reported condition. Therefore, this variant is classified as a variant of uncertain significance.